The following is an entry in ClinVar:

NM_000059.4(BRCA2):c.901G>T (p.Asp301Tyr)

Gene: BRCA2 (BRCA2 DNA repair associated; plus strand). Cytogenetic location: 13q13.1.
Variant type: single nucleotide variant.
Coding change: c.901G>T on transcript NM_000059.4 (MANE Select); coding-DNA position 901, G replaced by T.
Protein change: p.Asp301Tyr; replaces aspartic acid 301 with tyrosine.
Molecular consequence: missense variant.
Genome position (GRCh38, 1-based): chr13:32,332,379, G>T. VCF-style: chr13-32332379-G-T. GRCh37 (hg19) VCF-style: chr13-32906516-G-T.
Other names: short protein forms D301Y.
Identifiers: ClinVar variation 664259 (VCV000664259.10), dbSNP rs1555281626, ClinGen allele CA387760678.

ClinVar aggregate classification (germline): Conflicting classifications of pathogenicity. Review status: criteria provided, conflicting classifications (1 of 4 stars). 2 submissions from 2 submitters: Uncertain significance (1); Likely benign (1). Last evaluated 2023-03-23.

Conditions:
Hereditary cancer-predisposing syndrome. Also called: Tumor predisposition; Hereditary neoplastic syndrome; Neoplastic Syndromes, Hereditary; Hereditary Cancer Syndrome. Identifiers: Orphanet 140162, MedGen C0027672, MeSH D009386, MONDO:0015356.
Hereditary breast ovarian cancer syndrome. Also called: BRCA1- and BRCA2-Associated Hereditary Breast and Ovarian Cancer; Breast and ovarian cancer; Hereditary breast and ovarian cancer syndrome (HBOC); Hereditary breast and ovarian cancer; Hereditary breast and ovarian cancer syndrome; Hereditary breast and/or ovarian cancer syndrome. Identifiers: Orphanet 145, MedGen C0677776, MeSH D061325, MONDO:0003582. Disease mechanism: loss of function.

Submissions (2):

University of Washington Department of Laboratory Medicine, University of Washington
Classification: Likely benign for Hereditary cancer-predisposing syndrome. Last evaluated: 2023-03-23. Review status: criteria provided, single submitter. Criteria: Dines et al. (Genet Med. 2020). Collection method: curation. Allele origin: germline.
Comment: Missense variant in a coldspot region where missense variants are very unlikely to be pathogenic (PMID:31911673).

BRCA2 exon 10 coldspot. Reclassification based on statistical prior probability.

Labcorp Genetics (formerly Invitae), Labcorp
Classification: Uncertain significance for Hereditary breast ovarian cancer syndrome. Last evaluated: 2018-12-19. Review status: criteria provided, single submitter. Criteria: Invitae Variant Classification Sherloc (09022015). Collection method: clinical testing. Allele origin: germline.
Comment: This sequence change replaces aspartic acid with tyrosine at codon 301 of the BRCA2 protein (p.Asp301Tyr). The aspartic acid residue is weakly conserved and there is a large physicochemical difference between aspartic acid and tyrosine. This variant is not present in population databases (ExAC no frequency). This variant has been observed in an individual affected with colorectal cancer (PMID: 28135145). Algorithms developed to predict the effect of missense changes on protein structure and function are either unavailable or do not agree on the potential impact of this missense change (SIFT: "Deleterious"; PolyPhen-2: "Probably Damaging"; Align-GVGD: "Class C15"). In summary, the available evidence is currently insufficient to determine the role of this variant in disease. Therefore, it has been classified as a Variant of Uncertain Significance.

Literature cited by the submitters: PubMed 28135145 (cited by Labcorp Genetics (formerly Invitae), Labcorp).